The following is an entry in ClinVar:

NM_004006.3(DMD):c.7544C>A (p.Ala2515Glu)

Gene: DMD (dystrophin; minus strand). Cytogenetic location: Xp21.1.
Variant type: single nucleotide variant.
Coding change: c.7544C>A on transcript NM_004006.3 (MANE Select); coding-DNA position 7544, C replaced by A.
Protein change: p.Ala2515Glu; replaces alanine 2515 with glutamic acid.
Molecular consequence: missense variant.
Genome position (GRCh38, 1-based): chrX:31,729,747, G>T on the plus strand (C>A on the coding strand, the complement: DMD is on the minus strand). VCF-style: chrX-31729747-G-T. GRCh37 (hg19) VCF-style: chrX-31747864-G-T.
Other names: c.7544C>A (NM_004006.2); c.7520C>A, p.Ala2507Glu (NM_000109.4); c.7532C>A, p.Ala2511Glu (NM_004009.3); c.7175C>A, p.Ala2392Glu (NM_004010.3); c.3521C>A, p.Ala1174Glu (NM_004011.4); c.3512C>A, p.Ala1171Glu (NM_004012.4); c.164C>A, p.Ala55Glu (NM_004013.3, NM_004020.4, NM_004021.3 and 2 more transcripts); short protein forms A55E, A1171E, A1174E, A2507E, A2392E, A2511E, A2515E.
Identifiers: ClinVar variation 1472695 (VCV001472695.7), dbSNP rs373728963, ClinGen allele CA328466938.

ClinVar aggregate classification (germline): Uncertain significance. Review status: criteria provided, multiple submitters, no conflicts (2 of 4 stars). 2 submissions from 2 submitters: Uncertain significance (2). Last evaluated 2025-03-19.

Conditions:
Duchenne muscular dystrophy (DMD). Also called: Duchenne Muscular Dystrophy (DMD); MUSCULAR DYSTROPHY, PSEUDOHYPERTROPHIC PROGRESSIVE, DUCHENNE TYPE. Identifiers: Orphanet 98896, MedGen C0013264, MONDO:0010679, OMIM 310200.

Submissions (2):

GeneDx
Classification: Uncertain significance. Last evaluated: 2025-03-19. Review status: criteria provided, single submitter. Criteria: GeneDx Variant Classification Process June 2021. Collection method: clinical testing. Allele origin: germline. Affected: yes.
Comment: Has not been previously published as pathogenic or benign to our knowledge; Not observed at significant frequency in large population cohorts (gnomAD); In silico analysis indicates that this missense variant does not alter protein structure/function

Labcorp Genetics (formerly Invitae), Labcorp
Classification: Uncertain significance for Duchenne muscular dystrophy. Last evaluated: 2023-05-24. Review status: criteria provided, single submitter. Criteria: Invitae Variant Classification Sherloc (09022015). Collection method: clinical testing. Allele origin: germline.
Comment: This sequence change replaces alanine, which is neutral and non-polar, with glutamic acid, which is acidic and polar, at codon 2515 of the DMD protein (p.Ala2515Glu). This variant is not present in population databases (gnomAD no frequency). This variant has not been reported in the literature in individuals affected with DMD-related conditions. ClinVar contains an entry for this variant (Variation ID: 1472695). An algorithm developed to predict the effect of missense changes on protein structure and function (PolyPhen-2) suggests that this variant is likely to be disruptive. In summary, the available evidence is currently insufficient to determine the role of this variant in disease. Therefore, it has been classified as a Variant of Uncertain Significance.